The following is an entry in ClinVar:

ClinVar aggregate classification (germline): Uncertain significance (1 of 4 stars; one submission).

Conditions:
PCNT-related disorder. Also called: PCNT-related condition.

gnomAD v4.1: 1 of 1,614,024 alleles (0.000062%); highest among the groups gnomAD compares: African/African-American, 0.0013%; no homozygotes.

Submission:

PreventionGenetics, part of Exact Sciences
Classification: Uncertain significance for PCNT-related condition. Last evaluated: 2026-04-14. Review status: criteria provided, single submitter. Criteria: ACMG Guidelines, 2015. Collection method: clinical testing. Allele origin: germline.
Comment: The PCNT c.1850A>T variant is predicted to result in the amino acid substitution p.Glu617Val. To our knowledge, this variant has not been reported in the literature. This variant is reported in 0.0062% of alleles in individuals of African descent in gnomAD. At this time, the clinical significance of this variant is uncertain due to the absence of conclusive functional and genetic evidence.

NM_006031.6(PCNT):c.1850A>T (p.Glu617Val)

Gene: PCNT (pericentrin; plus strand). Cytogenetic location: 21q22.3.
Variant type: single nucleotide variant.
Coding change: c.1850A>T on transcript NM_006031.6 (MANE Select); coding-DNA position 1850, A replaced by T.
Protein change: p.Glu617Val; replaces glutamic acid 617 with valine.
Molecular consequence: missense variant.
Genome position (GRCh38, 1-based): chr21:46,355,540, A>T. VCF-style: chr21-46355540-A-T. GRCh37 (hg19) VCF-style: chr21-47775455-A-T.
Other names: c.1496A>T, p.Glu499Val (NM_001315529.2); short protein forms E499V, E617V.
Identifiers: ClinVar variation 4994105 (VCV004994105.1).